The following is an entry in ClinVar:

NM_000057.4(BLM):c.3170A>G (p.Lys1057Arg)

Gene: BLM (BLM RecQ like helicase; plus strand). Cytogenetic location: 15q26.1.
Variant type: single nucleotide variant.
Coding change: c.3170A>G on transcript NM_000057.4 (MANE Select); coding-DNA position 3170, A replaced by G.
Protein change: p.Lys1057Arg; replaces lysine 1057 with arginine.
Molecular consequence: missense variant.
Genome position (GRCh38, 1-based): chr15:90,794,317, A>G. VCF-style: chr15-90794317-A-G. GRCh37 (hg19) VCF-style: chr15-91337547-A-G.
Other names: c.3170A>G, p.Lys1057Arg (NM_001287246.2, NM_001287247.2); c.2045A>G, p.Lys682Arg (NM_001287248.2); short protein forms K1057R, K682R.
Identifiers: ClinVar variation 1728427 (VCV001728427.2), dbSNP rs2505525587, ClinGen allele CA393846992.

ClinVar aggregate classification (germline): Uncertain significance (1 of 4 stars; one submission).

Conditions:
Hereditary cancer-predisposing syndrome. Also called: Tumor predisposition; Neoplastic Syndromes, Hereditary; Hereditary Cancer Syndrome; Hereditary neoplastic syndrome. Identifiers: Orphanet 140162, MedGen C0027672, MeSH D009386, MONDO:0015356.

Submission:

Ambry Genetics
Classification: Uncertain significance for Hereditary cancer-predisposing syndrome. Last evaluated: 2022-08-30. Review status: criteria provided, single submitter. Criteria: Ambry Variant Classification Scheme 2023. Collection method: clinical testing. Allele origin: germline.
Comment: The p.K1057R variant (also known as c.3170A>G), located in coding exon 15 of the BLM gene, results from an A to G substitution at nucleotide position 3170. The lysine at codon 1057 is replaced by arginine, an amino acid with highly similar properties. This amino acid position is conserved. In addition, this alteration is predicted to be tolerated by in silico analysis. Since supporting evidence is limited at this time, the clinical significance of this alteration remains unclear.